The following is an entry in ClinVar:

NM_000112.4(SLC26A2):c.2011C>T (p.Arg671Cys)

Gene: SLC26A2 (solute carrier family 26 member 2; plus strand). Cytogenetic location: 5q32.
Variant type: single nucleotide variant.
Coding change: c.2011C>T on transcript NM_000112.4 (MANE Select); coding-DNA position 2011, C replaced by T.
Protein change: p.Arg671Cys; replaces arginine 671 with cysteine.
Molecular consequence: missense variant.
Genome position (GRCh38, 1-based): chr5:149,981,604, C>T. VCF-style: chr5-149981604-C-T. GRCh37 (hg19) VCF-style: chr5-149361167-C-T.
Other names: short protein forms R671C.
Identifiers: ClinVar variation 2148271 (VCV002148271.3), dbSNP rs376837549, ClinGen allele CA3505531.

ClinVar aggregate classification (germline): Uncertain significance. Review status: criteria provided, multiple submitters, no conflicts (2 of 4 stars). 2 submissions from 2 submitters: Uncertain significance (2). Last evaluated 2023-01-23.

Conditions:
Inborn genetic diseases. Identifiers: MedGen C0950123, MeSH D030342.
Achondrogenesis, type IB (ACG1B). Also called: Achondrogenesis Type 1B. Identifiers: Orphanet 932, Orphanet 93298, MedGen C0265274, MONDO:0010966, OMIM 600972.
Multiple epiphyseal dysplasia type 4 (EDM4). Also called: SLC26A2-Related Multiple Epiphyseal Dysplasia; Multiple Epiphyseal Dysplasia, Recessive; MULTIPLE EPIPHYSEAL DYSPLASIA WITH BILAYERED PATELLAE; MULTIPLE EPIPHYSEAL DYSPLASIA WITH CLUBFOOT; MULTIPLE EPIPHYSEAL DYSPLASIA, AUTOSOMAL RECESSIVE. Identifiers: Orphanet 93307, MedGen C1847593, MONDO:0009189, OMIM 226900.
Atelosteogenesis type II (AO2). Also called: Neonatal osseous dysplasia 1; SLC26A2-Related Atelosteogenesis; NEONATAL OSSEOUS DYSPLASIA I. Identifiers: Orphanet 56304, MedGen C1850554, MONDO:0009727, OMIM 256050.
Diastrophic dysplasia (DTD). Also called: Diastrophic dwarfism. Identifiers: Orphanet 628, MedGen C0220726, MONDO:0009107, OMIM 222600.

Allele frequency attached by ClinVar (database versions not stated): gnomAD exomes 0.00001; ExAC 0.00002; gnomAD 0.00003; ESP Exome Variant Server 0.00008; TOPMed 0.00008.
gnomAD v4.1: 17 of 1,613,898 alleles (0.0011%); highest among the groups gnomAD compares: Admixed American, 0.0017%; no homozygotes.

Submissions (2):

Ambry Genetics
Classification: Uncertain significance for Inborn genetic diseases. Last evaluated: 2023-01-23. Review status: criteria provided, single submitter. Criteria: Ambry Variant Classification Scheme 2023. Collection method: clinical testing. Allele origin: germline.

Labcorp Genetics (formerly Invitae), Labcorp
Classification: Uncertain significance for Atelosteogenesis type II; Multiple epiphyseal dysplasia type 4; Achondrogenesis, type IB; Diastrophic dysplasia. Last evaluated: 2022-08-19. Review status: criteria provided, single submitter. Criteria: Invitae Variant Classification Sherloc (09022015). Collection method: clinical testing. Allele origin: germline.
Comment: This sequence change replaces arginine, which is basic and polar, with cysteine, which is neutral and slightly polar, at codon 671 of the SLC26A2 protein (p.Arg671Cys). This variant is present in population databases (rs376837549, gnomAD 0.004%). This variant has not been reported in the literature in individuals affected with SLC26A2-related conditions. Advanced modeling of protein sequence and biophysical properties (such as structural, functional, and spatial information, amino acid conservation, physicochemical variation, residue mobility, and thermodynamic stability) performed at Invitae indicates that this missense variant is not expected to disrupt SLC26A2 protein function. In summary, the available evidence is currently insufficient to determine the role of this variant in disease. Therefore, it has been classified as a Variant of Uncertain Significance.